The following is an entry in ClinVar:

ClinVar aggregate classification (germline): Uncertain significance (1 of 4 stars; one submission).

Submission:

GeneDx
Classification: Uncertain significance. Last evaluated: 2026-02-27. Review status: criteria provided, single submitter. Criteria: GeneDx Variant Classification Process June 2021. Collection method: clinical testing. Allele origin: germline.
Comment: Not observed at significant frequency in large population cohorts (gnomAD); In silico analysis supports that this missense variant has a deleterious effect on protein structure/function; Has not been previously published as pathogenic or benign to our knowledge

NM_001271.4(CHD2):c.2154G>T (p.Arg718Ser)

Gene: CHD2 (chromodomain helicase DNA binding protein 2; plus strand). Cytogenetic location: 15q26.1.
Variant type: single nucleotide variant.
Coding change: c.2154G>T on transcript NM_001271.4 (MANE Select); coding-DNA position 2154, G replaced by T.
Protein change: p.Arg718Ser; replaces arginine 718 with serine.
Molecular consequence: missense variant.
Genome position (GRCh38, 1-based): chr15:92,967,478, G>T. VCF-style: chr15-92967478-G-T. GRCh37 (hg19) VCF-style: chr15-93510708-G-T.
Other names: short protein forms R718S.
Identifiers: ClinVar variation 5008197 (VCV005008197.1).